The following is an entry in ClinVar:

NM_172364.5(CACNA2D4):c.650-2A>G

Gene: CACNA2D4 (calcium voltage-gated channel auxiliary subunit alpha2delta 4; minus strand). Cytogenetic location: 12p13.33.
Variant type: single nucleotide variant.
Coding change: c.650-2A>G on transcript NM_172364.5 (MANE Select); the canonical splice acceptor site of the intron before coding-DNA position 650, A replaced by G.
Molecular consequence: splice acceptor variant.
Genome position (GRCh38, 1-based): chr12:1,907,573, T>C on the plus strand (A>G on the coding strand, the complement: CACNA2D4 is on the minus strand). VCF-style: chr12-1907573-T-C. GRCh37 (hg19) VCF-style: chr12-2016739-T-C.
Identifiers: ClinVar variation 943994 (VCV000943994.8), dbSNP rs1344354002, ClinGen allele CA383364030.

ClinVar aggregate classification (germline): Uncertain significance (1 of 4 stars; one submission).

Allele frequency attached by ClinVar (database versions not stated): gnomAD exomes below 0.00001.
gnomAD v4.1: 1 of 1,611,886 alleles (0.000062%); highest among the groups gnomAD compares: Non-Finnish European, 0.000085%; no homozygotes.

Submission:

Labcorp Genetics (formerly Invitae), Labcorp
Classification: Uncertain significance. Last evaluated: 2024-05-29. Review status: criteria provided, single submitter. Criteria: Invitae Variant Classification Sherloc (09022015). Collection method: clinical testing. Allele origin: germline.
Comment: This sequence change affects an acceptor splice site in intron 5 of the CACNA2D4 gene. It is expected to disrupt RNA splicing. Variants that disrupt the donor or acceptor splice site typically lead to a loss of protein function (PMID: 16199547), however the current clinical and genetic evidence is not sufficient to establish whether loss-of-function variants in CACNA2D4 cause disease. This variant is present in population databases (no rsID available, gnomAD 0.0009%). This variant has not been reported in the literature in individuals affected with CACNA2D4-related conditions. ClinVar contains an entry for this variant (Variation ID: 943994). Algorithms developed to predict the effect of sequence changes on RNA splicing suggest that this variant may disrupt the consensus splice site. In summary, the available evidence is currently insufficient to determine the role of this variant in disease. Therefore, it has been classified as a Variant of Uncertain Significance.

Literature cited by the submitters: PubMed 16199547.